The following is an entry in ClinVar:

NM_001165963.4(SCN1A):c.4133A>C (p.Asn1378Thr)

Genes: SCN1A (sodium voltage-gated channel alpha subunit 1; minus strand), LOC102724058 (uncharacterized LOC102724058; plus strand). Cytogenetic location: 2q24.3.
Variant type: single nucleotide variant.
Coding change: c.4133A>C on transcript NM_001165963.4 (MANE Select); coding-DNA position 4133, A replaced by C.
Protein change: p.Asn1378Thr; replaces asparagine 1378 with threonine.
Molecular consequence: missense variant. On other transcripts: non-coding transcript variant (1).
Genome position (GRCh38, 1-based): chr2:166,002,623, T>G on the plus strand (A>C on the coding strand, the complement: SCN1A is on the minus strand). VCF-style: chr2-166002623-T-G. GRCh37 (hg19) VCF-style: chr2-166859133-T-G.
Other names: c.4049A>C, p.Asn1350Thr (NM_001165964.3, NM_001353957.2, NM_001353958.2); c.4133A>C, p.Asn1378Thr (NM_001202435.3, NM_001353948.2); c.4100A>C, p.Asn1367Thr (NM_001353949.2, NM_001353950.2, NM_001353951.2 and 2 more transcripts); c.4097A>C, p.Asn1366Thr (NM_001353954.2, NM_001353955.2); c.4046A>C, p.Asn1349Thr (NM_001353960.2); c.1691A>C, p.Asn564Thr (NM_001353961.2); short protein forms N1367T, N1378T, N1350T, N564T, N1349T, N1366T.
Identifiers: ClinVar variation 430089 (VCV000430089.10), dbSNP rs1131691775, ClinGen allele CA349050334.

ClinVar aggregate classification (germline): Pathogenic/Likely pathogenic. Review status: criteria provided, multiple submitters, no conflicts (2 of 4 stars). 2 submissions from 2 submitters: Pathogenic (1); Likely pathogenic (1). Last evaluated 2023-08-24.

Conditions:
Early-infantile DEE. Also called: Early infantile epileptic encephalopathy; Ohtahara syndrome; Early infantile epileptic encephalopathy with suppression bursts. Identifiers: Orphanet 1934, MedGen C0393706, MONDO:0800491.

Submissions (2):

Labcorp Genetics (formerly Invitae), Labcorp
Classification: Pathogenic for Early-infantile DEE. Last evaluated: 2023-08-24. Review status: criteria provided, single submitter. Criteria: Invitae Variant Classification Sherloc (09022015). Collection method: clinical testing. Allele origin: germline.
Comment: This sequence change replaces asparagine, which is neutral and polar, with threonine, which is neutral and polar, at codon 1378 of the SCN1A protein (p.Asn1378Thr). This variant is not present in population databases (gnomAD no frequency). This missense change has been observed in individual(s) with Dravet syndrome (PMID: 21248271, 29141279). ClinVar contains an entry for this variant (Variation ID: 430089). Advanced modeling of protein sequence and biophysical properties (such as structural, functional, and spatial information, amino acid conservation, physicochemical variation, residue mobility, and thermodynamic stability) performed at Invitae indicates that this missense variant is expected to disrupt SCN1A protein function. For these reasons, this variant has been classified as Pathogenic.

GeneDx
Classification: Likely pathogenic. Last evaluated: 2018-09-28. Review status: criteria provided, single submitter. Criteria: GeneDx Variant Classification (06012015). Collection method: clinical testing. Allele origin: germline. Affected: yes.
Comment: The N1378T variant, as well as a missense variant at the same residue (N1378H), have both been previously reported in unrelated individuals with classic Dravet syndrome, however additional details were not provided (Zuberi et al., 2011). The N1378T variant was not observed in approximately 6,500 individuals of European and African American ancestry in the NHLBI Exome Sequencing Project, indicating it is not a common benign variant in these populations. This substitution occurs at a conserved position predicted to be in the pore forming loop between the S5 and S6 transmembrane segments of the third homologous domain. In silico analysis predicts this variant is probably damaging to the protein structure/function. However, the N1378T variant is a conservative amino acid substitution, which is not likely to impact secondary protein structure as these residues share similar properties. Therefore, this variant is likely pathogenic; however, the possibility that it is benign cannot be excluded.

Literature cited by the submitters: PubMed 21248271 (cited by Labcorp Genetics (formerly Invitae), Labcorp); PubMed 29141279 (cited by Labcorp Genetics (formerly Invitae), Labcorp).